The following is an entry in ClinVar:

ClinVar aggregate classification (germline): Uncertain significance (1 of 4 stars; one submission).

Submission:

Labcorp Genetics (formerly Invitae), Labcorp
Classification: Uncertain significance. Last evaluated: 2023-07-11. Review status: criteria provided, single submitter. Criteria: Invitae Variant Classification Sherloc (09022015). Collection method: clinical testing. Allele origin: germline.
Comment: In summary, the available evidence is currently insufficient to determine the role of this variant in disease. Therefore, it has been classified as a Variant of Uncertain Significance. This variant has not been reported in the literature in individuals affected with BRD4-related conditions. This variant is not present in population databases (gnomAD no frequency). This variant, c.2923_2924insAGCAGCAGC, results in the insertion of 3 amino acid(s) of the BRD4 protein (p.Pro974_Pro975insGlnGlnGln), but otherwise preserves the integrity of the reading frame.

NM_001379291.1(BRD4):c.2924AGC[3] (p.Pro974_Pro975insGlnGlnGln)

Gene: BRD4 (bromodomain containing 4; minus strand). Cytogenetic location: 19p13.12.
Variant type: Microsatellite.
Coding change: c.2924AGC[3] on transcript NM_001379291.1 (MANE Select); three copies in a row of the 3-base unit AGC starting at c.2924.
Protein change: p.Pro974_Pro975insGlnGlnGln.
Molecular consequence: inframe insertion.
Genome position: GRCh38 VCF-style: chr19-15243145-G-GGCTGCTGCT. GRCh37 (hg19) VCF-style: chr19-15353956-G-GGCTGCTGCT.
Other names: c.2924AGC[3], p.Pro974_Pro975insGlnGlnGln (NM_058243.3).
Identifiers: ClinVar variation 2880511 (VCV002880511.3), dbSNP rs2512711439, ClinGen allele CA2739276584.